The following is an entry in ClinVar:

NM_001134363.3(RBM20):c.1949C>T (p.Pro650Leu)

Gene: RBM20 (RNA binding motif protein 20; plus strand). Cytogenetic location: 10q25.2.
Variant type: single nucleotide variant.
Coding change: c.1949C>T on transcript NM_001134363.3 (MANE Select); coding-DNA position 1949, C replaced by T.
Protein change: p.Pro650Leu; replaces proline 650 with leucine.
Molecular consequence: missense variant.
Genome position (GRCh38, 1-based): chr10:110,812,346, C>T. VCF-style: chr10-110812346-C-T. GRCh37 (hg19) VCF-style: chr10-112572104-C-T.
Other names: c.1949C>T (NM_001134363.1); short protein forms P650L.
Identifiers: ClinVar variation 1000565 (VCV001000565.10), dbSNP rs899383029, ClinGen allele CA213223610.

ClinVar aggregate classification (germline): Uncertain significance. Review status: criteria provided, multiple submitters, no conflicts (2 of 4 stars). 3 submissions from 3 submitters: Uncertain significance (3). Last evaluated 2024-09-02.

Conditions:
Cardiovascular phenotype. Identifiers: MedGen CN230736.
Dilated cardiomyopathy 1DD (CMD1DD). Identifiers: Orphanet 154, MedGen C2750995, MONDO:0013168, OMIM 613172.

Allele frequency attached by ClinVar (database versions not stated): gnomAD exomes below 0.00001; gnomAD 0.00001; TOPMed 0.00001.
gnomAD v4.1: 4 of 1,551,516 alleles (0.00026%); highest among the groups gnomAD compares: African/African-American, 0.0014%; no homozygotes.

Submissions (3):

Ambry Genetics
Classification: Uncertain significance for Cardiovascular phenotype. Last evaluated: 2024-09-02. Review status: criteria provided, single submitter. Criteria: Ambry Variant Classification Scheme 2023. Collection method: clinical testing. Allele origin: germline.
Comment: The p.P650L variant (also known as c.1949C>T), located in coding exon 9 of the RBM20 gene, results from a C to T substitution at nucleotide position 1949. The proline at codon 650 is replaced by leucine, an amino acid with similar properties. This amino acid position is conserved. In addition, the in silico prediction for this alteration is inconclusive. Based on the available evidence, the clinical significance of this variant remains unclear.

Labcorp Genetics (formerly Invitae), Labcorp
Classification: Uncertain significance for Dilated cardiomyopathy 1DD. Last evaluated: 2024-06-12. Review status: criteria provided, single submitter. Criteria: Invitae Variant Classification Sherloc (09022015). Collection method: clinical testing. Allele origin: germline.
Comment: This sequence change replaces proline, which is neutral and non-polar, with leucine, which is neutral and non-polar, at codon 650 of the RBM20 protein (p.Pro650Leu). This variant is not present in population databases (gnomAD no frequency). This variant has not been reported in the literature in individuals affected with RBM20-related conditions. ClinVar contains an entry for this variant (Variation ID: 1000565). Advanced modeling of protein sequence and biophysical properties (such as structural, functional, and spatial information, amino acid conservation, physicochemical variation, residue mobility, and thermodynamic stability) performed at Invitae indicates that this missense variant is not expected to disrupt RBM20 protein function with a negative predictive value of 95%. In summary, the available evidence is currently insufficient to determine the role of this variant in disease. Therefore, it has been classified as a Variant of Uncertain Significance.

GeneDx
Classification: Uncertain significance. Last evaluated: 2023-02-09. Review status: criteria provided, single submitter. Criteria: GeneDx Variant Classification Process June 2021. Collection method: clinical testing. Allele origin: germline. Affected: yes.
Comment: Not observed at significant frequency in large population cohorts (gnomAD); In silico analysis supports that this missense variant has a deleterious effect on protein structure/function; Has not been previously published as pathogenic or benign to our knowledge